The following is an entry in ClinVar:

NM_139315.3(TAF6):c.438C>T (p.Pro146=)

Gene: TAF6 (TATA-box binding protein associated factor 6; minus strand). Cytogenetic location: 7q22.1.
Variant type: single nucleotide variant.
Coding change: c.438C>T on transcript NM_139315.3 (MANE Select); coding-DNA position 438, C replaced by T.
Protein change: p.Pro146=; no amino-acid change (proline 146 retained).
Molecular consequence: synonymous variant. On other transcripts: non-coding transcript variant (1).
Genome position (GRCh38, 1-based): chr7:100,113,365, G>A on the plus strand (C>T on the coding strand, the complement: TAF6 is on the minus strand). VCF-style: chr7-100113365-G-A. GRCh37 (hg19) VCF-style: chr7-99710988-G-A.
Other names: c.549C>T, p.Pro183= (NM_001190415.2); c.438C>T, p.Pro146= (NM_001364998.1, NM_001364999.1, NM_005641.4); c.408C>T, p.Pro136= (NM_001365000.1, NM_001365001.1, NM_001365002.1 and 1 more transcripts); c.576C>T, p.Pro192= (NM_001365004.1); c.438C>T (NM_005641.3).
Identifiers: ClinVar variation 1572983 (VCV001572983.17), dbSNP rs141064340, ClinGen allele CA4375633.

ClinVar aggregate classification (germline): Benign/Likely benign. Review status: criteria provided, multiple submitters, no conflicts (2 of 4 stars). 4 submissions from 4 submitters: Benign (2); Likely benign (1). 1 of the submissions does not count toward it. Last evaluated 2026-09-01.

Conditions:
TAF6-related disorder. Also called: TAF6-related condition.

Allele frequency attached by ClinVar (database versions not stated): gnomAD exomes 0.00074; ExAC 0.00116; 1000 Genomes Project 0.00240; 1000 Genomes Project 30x 0.00250; gnomAD 0.00271 and 0.00297; TOPMed 0.00320; ESP Exome Variant Server 0.00392.
gnomAD v4.1: 840 of 1,595,532 alleles (0.053%); highest among the groups gnomAD compares: African/African-American, 0.87%; 4 homozygotes.

Submissions (4):

CeGaT Center for Human Genetics Tuebingen
Classification: Likely benign. Last evaluated: 2026-09-01. Review status: criteria provided, single submitter. Criteria: CeGaT Center For Human Genetics Tuebingen Variant Classification Criteria Version 2. Collection method: clinical testing. Allele origin: germline. Affected: yes. Observed: 2 variant alleles.
Comment: TAF6: BP4, BP7

Labcorp Genetics (formerly Invitae), Labcorp
Classification: Benign. Last evaluated: 2024-08-13. Review status: criteria provided, single submitter. Criteria: Invitae Variant Classification Sherloc (09022015). Collection method: clinical testing. Allele origin: germline.

Breakthrough Genomics
Classification: Benign. Review status: criteria provided, single submitter. Criteria: ACMG Guidelines, 2015. Collection method: not provided. Allele origin: germline. Inheritance: Autosomal recessive inheritance. Affected: yes.

PreventionGenetics, part of Exact Sciences
Classification: Benign for TAF6-related condition. Last evaluated: 2019-10-16. Review status: no assertion criteria provided. Collection method: clinical testing. Allele origin: germline. Not counted in ClinVar's aggregate classification.
Comment: This variant is classified as benign based on ACMG/AMP sequence variant interpretation guidelines (Richards et al. 2015 PMID: 25741868, with internal and published modifications).